The following is an entry in ClinVar:

NM_001004320.2(AGMO):c.65C>T (p.Thr22Met)

Gene: AGMO (alkylglycerol monooxygenase; minus strand). Cytogenetic location: 7p21.2.
Variant type: single nucleotide variant.
Coding change: c.65C>T on transcript NM_001004320.2 (MANE Select); coding-DNA position 65, C replaced by T.
Protein change: p.Thr22Met; replaces threonine 22 with methionine.
Molecular consequence: missense variant.
Genome position (GRCh38, 1-based): chr7:15,561,781, G>A on the plus strand (C>T on the coding strand, the complement: AGMO is on the minus strand). VCF-style: chr7-15561781-G-A. GRCh37 (hg19) VCF-style: chr7-15601406-G-A.
Other names: short protein forms T22M.
Identifiers: ClinVar variation 4690169 (VCV004690169.1).

ClinVar aggregate classification (germline): Uncertain significance (1 of 4 stars; one submission).

gnomAD v4.1: 8 of 1,611,022 alleles (0.0005%); highest among the groups gnomAD compares: Admixed American, 0.005%; no homozygotes.

Submission:

GeneDx
Classification: Uncertain significance. Last evaluated: 2025-07-30. Review status: criteria provided, single submitter. Criteria: GeneDx Variant Classification Process June 2021. Collection method: clinical testing. Allele origin: germline. Affected: yes.
Comment: In silico analysis suggests that this missense variant does not alter protein structure/function; Has not been previously published as pathogenic or benign to our knowledge